The following is an entry in ClinVar:

NM_000268.4(NF2):c.862T>C (p.Ser288Pro)

Gene: NF2 (NF2, moesin-ezrin-radixin like (MERLIN) tumor suppressor; plus strand). Cytogenetic location: 22q12.2.
Variant type: single nucleotide variant.
Coding change: c.862T>C on transcript NM_000268.4 (MANE Select); coding-DNA position 862, T replaced by C.
Protein change: p.Ser288Pro; replaces serine 288 with proline.
Molecular consequence: missense variant. On other transcripts: non-coding transcript variant (1), intron variant (1).
Genome position (GRCh38, 1-based): chr22:29,665,041, T>C. VCF-style: chr22-29665041-T-C. GRCh37 (hg19) VCF-style: chr22-30061030-T-C.
Other names: c.748T>C, p.Ser250Pro (NM_001407053.1, NM_001407056.1); c.739T>C, p.Ser247Pro (NM_001407054.1, NM_001407058.1, NM_181829.3); c.736T>C, p.Ser246Pro (NM_001407055.1, NM_181828.3); c.727T>C, p.Ser243Pro (NM_001407057.1, NM_001407059.1); c.862T>C, p.Ser288Pro (NM_001407060.1, NM_001407066.1, NM_016418.5 and 2 more transcripts); c.604T>C, p.Ser202Pro (NM_001407062.1); c.613T>C, p.Ser205Pro (NM_001407063.1, NM_001407064.1, NM_181830.3 and 1 more transcripts); c.328T>C, p.Ser110Pro (NM_001407065.1); and 2 more; short protein forms S211P, S243P, S250P, S110P, S247P, S202P, S205P, S246P.
Identifiers: ClinVar variation 4661400 (VCV004661400.1).

ClinVar aggregate classification (germline): Uncertain significance (1 of 4 stars; one submission).

Conditions:
Hereditary cancer-predisposing syndrome. Also called: Neoplastic Syndromes, Hereditary; Tumor predisposition; Hereditary Cancer Syndrome; Hereditary neoplastic syndrome. Identifiers: Orphanet 140162, MedGen C0027672, MeSH D009386, MONDO:0015356.

gnomAD v4.1: 1 of 1,613,788 alleles (0.000062%); no homozygotes.

Submission:

Ambry Genetics
Classification: Uncertain significance for Hereditary cancer-predisposing syndrome. Last evaluated: 2025-10-10. Review status: criteria provided, single submitter. Criteria: Ambry Variant Classification Scheme 2023. Collection method: clinical testing. Allele origin: germline.
Comment: The p.S288P variant (also known as c.862T>C), located in coding exon 9 of the NF2 gene, results from a T to C substitution at nucleotide position 862. The serine at codon 288 is replaced by proline, an amino acid with similar properties. This amino acid position is conserved. In addition, the in silico prediction for this alteration is inconclusive. Based on the available evidence, the clinical significance of this variant remains unclear.